The following is an entry in ClinVar:

NM_001114134.2(EPB42):c.1506G>T (p.Glu502Asp)

Gene: EPB42 (erythrocyte membrane protein band 4.2; minus strand). Cytogenetic location: 15q15.2.
Variant type: single nucleotide variant.
Coding change: c.1506G>T on transcript NM_001114134.2 (MANE Select); coding-DNA position 1506, G replaced by T.
Protein change: p.Glu502Asp; replaces glutamic acid 502 with aspartic acid.
Molecular consequence: missense variant.
Genome position (GRCh38, 1-based): chr15:43,206,442, C>A on the plus strand (G>T on the coding strand, the complement: EPB42 is on the minus strand). VCF-style: chr15-43206442-C-A. GRCh37 (hg19) VCF-style: chr15-43498640-C-A.
Other names: p.Glu532Asp; c.1596G>T, p.Glu532Asp (NM_000119.3); short protein forms E502D, E532D.
Identifiers: ClinVar variation 2683298 (VCV002683298.1), dbSNP rs2542486410, ClinGen allele CA392109770.

ClinVar aggregate classification (germline): Uncertain significance (1 of 4 stars; one submission).

Submission:

Mayo Clinic Laboratories, Mayo Clinic
Classification: Uncertain significance. Last evaluated: 2022-07-14. Review status: criteria provided, single submitter. Criteria: ACMG Guidelines, 2015. Collection method: clinical testing. Allele origin: germline. Observed: 1 variant allele.
Comment: BP4_strong, PM2